The following is an entry in ClinVar:

NM_004369.4(COL6A3):c.6283-2A>C

Genes: COL6A3 (collagen type VI alpha 3 chain; minus strand), LOC122889011 (Sharpr-MPRA regulatory region 1020; plus strand). Cytogenetic location: 2q37.3.
Variant type: single nucleotide variant.
Coding change: c.6283-2A>C on transcript NM_004369.4 (MANE Select); the canonical splice acceptor site of the intron before coding-DNA position 6283, A replaced by C.
Molecular consequence: splice acceptor variant.
Genome position (GRCh38, 1-based): chr2:237,359,390, T>G on the plus strand (A>C on the coding strand, the complement: COL6A3 is on the minus strand). VCF-style: chr2-237359390-T-G. GRCh37 (hg19) VCF-style: chr2-238268033-T-G.
Other names: NC_000002.11:g.238268033T>G; c.4462-2A>C (NM_057166.5); c.5665-2A>C (NM_057167.4).
Identifiers: ClinVar variation 208448 (VCV000208448.4), dbSNP rs797044988, ClinGen allele CA275964.

ClinVar aggregate classification (germline): Likely pathogenic (0 of 4 stars; one submission).

Conditions:
Ullrich congenital muscular dystrophy 1A. Also called: Intermediate COL6-RD; Ullrich congenital muscular dystrophy 1. Identifiers: Orphanet 75840, MedGen C0410179, MONDO:0009681, OMIM 254090.
Bethlem myopathy 1A. Also called: MYOPATHY, BENIGN CONGENITAL, WITH CONTRACTURES; Bethlem Muscular Dystrophy; Bethlem myopathy 1. Identifiers: Orphanet 610, MedGen CN029274, MONDO:0024530, OMIM 158810.

Submissions (2):

Diagnostics Division, CENTRE FOR DNA FINGERPRINTING AND DIAGNOSTICS
Classification: Likely pathogenic for Bethlem myopathy; Ullrich congenital muscular dystrophy. Last evaluated: 2015-07-01. Review status: no assertion criteria provided. Collection method: research. Allele origin: de novo. Affected: yes. Observed: 1 heterozygote.
Comment: 3'-splice site mutation

Dr. Peter K. Rogan Lab, Western University
No classification provided (evidence only). Condition: Thyroid cancer, nonmedullary, 1. Review status: no classification provided. Collection method: in vitro. Allele origin: not applicable. Functional consequence: retained intron. Not counted in ClinVar's aggregate classification.